The following is an entry in ClinVar:

NM_000051.4(ATM):c.5418_5437del (p.Lys1807fs)

Gene: ATM (ATM serine/threonine kinase; plus strand). Cytogenetic location: 11q22.3.
Variant type: Deletion.
Coding change: c.5418_5437del on transcript NM_000051.4 (MANE Select); coding-DNA positions 5418 to 5437, 20 bases deleted (AAAGACACTGACTTGTGCTT).
Protein change: p.Lys1807fs; shifts the reading frame from lysine 1807.
Molecular consequence: frameshift variant.
Genome position (GRCh38, 1-based): chr11:108,302,951-108,302,970, AAAGACACTGACTTGTGCTT deleted; deleting any 20 consecutive bases within chr11:108,302,950-108,302,970 gives the same sequence; the c. name uses the placement nearest the transcript's 3' end. VCF-style (leftmost placement, unchanged base first): chr11-108302949-ATAAAGACACTGACTTGTGCT-A. GRCh37 (hg19) VCF-style: chr11-108173676-ATAAAGACACTGACTTGTGCT-A.
Other names: c.5418_5437del, p.Lys1807fs (NM_001351834.2); short protein forms K1807fs.
Identifiers: ClinVar variation 3452431 (VCV003452431.1).

ClinVar aggregate classification (germline): Pathogenic (1 of 4 stars; one submission).

Conditions:
Hereditary cancer-predisposing syndrome. Also called: Tumor predisposition; Neoplastic Syndromes, Hereditary; Hereditary neoplastic syndrome; Hereditary Cancer Syndrome. Identifiers: Orphanet 140162, MedGen C0027672, MeSH D009386, MONDO:0015356.

Submission:

Ambry Genetics
Classification: Pathogenic for Hereditary cancer-predisposing syndrome. Last evaluated: 2024-11-21. Review status: criteria provided, single submitter. Criteria: Ambry Variant Classification Scheme 2023. Collection method: clinical testing. Allele origin: germline.
Comment: The c.5418_5437del20 pathogenic mutation, located in coding exon 35 of the ATM gene, results from a deletion of 20 nucleotides at nucleotide positions 5418 to 5437, causing a translational frameshift with a predicted alternate stop codon (p.K1807Ffs*9). This variant is considered to be rare based on population cohorts in the Genome Aggregation Database (gnomAD). This alteration is expected to result in loss of function by premature protein truncation or nonsense-mediated mRNA decay. As such, this alteration is interpreted as a disease-causing mutation.